The following is an entry in ClinVar:

ClinVar aggregate classification (germline): Uncertain significance (1 of 4 stars; one submission).

Allele frequency attached by ClinVar (database versions not stated): ExAC 0.00002; gnomAD exomes 0.00003 and 0.00004; gnomAD 0.00004.
gnomAD v4.1: 59 of 1,613,230 alleles (0.0037%); highest among the groups gnomAD compares: Non-Finnish European, 0.0026%; no homozygotes.

Submission:

Labcorp Genetics (formerly Invitae), Labcorp
Classification: Uncertain significance. Last evaluated: 2022-07-12. Review status: criteria provided, single submitter. Criteria: Invitae Variant Classification Sherloc (09022015). Collection method: clinical testing. Allele origin: germline.
Comment: This sequence change replaces valine, which is neutral and non-polar, with glutamic acid, which is acidic and polar, at codon 3827 of the PCLO protein (p.Val3827Glu). This variant is present in population databases (rs780625728, gnomAD 0.03%). This variant has not been reported in the literature in individuals affected with PCLO-related conditions. ClinVar contains an entry for this variant (Variation ID: 1505577). Algorithms developed to predict the effect of missense changes on protein structure and function are either unavailable or do not agree on the potential impact of this missense change (SIFT: "Deleterious"; PolyPhen-2: "Not Available"; Align-GVGD: "Class C0"). In summary, the available evidence is currently insufficient to determine the role of this variant in disease. Therefore, it has been classified as a Variant of Uncertain Significance.

NM_033026.6(PCLO):c.11480T>A (p.Val3827Glu)

Gene: PCLO (piccolo presynaptic cytomatrix protein; minus strand). Cytogenetic location: 7q21.11.
Variant type: single nucleotide variant.
Coding change: c.11480T>A on transcript NM_033026.6 (MANE Select); coding-DNA position 11480, T replaced by A.
Protein change: p.Val3827Glu; replaces valine 3827 with glutamic acid.
Molecular consequence: missense variant.
Genome position (GRCh38, 1-based): chr7:82,916,506, A>T on the plus strand (T>A on the coding strand, the complement: PCLO is on the minus strand). VCF-style: chr7-82916506-A-T. GRCh37 (hg19) VCF-style: chr7-82545822-A-T.
Other names: c.11480T>A, p.Val3827Glu (NM_014510.3); short protein forms V3827E.
Identifiers: ClinVar variation 1505577 (VCV001505577.3), dbSNP rs780625728, ClinGen allele CA4319556.
Genomic context (GRCh38, chr7:82,916,506, plus strand): 5'-ATTCGGGTTGGTCTTGTGCTACTCACTTCACTGTCAGACATGTAATCACGATCCTCAGCT[A>T]CTCCCTGGAGGTAGGCTCGTTCTCTCTTTTCTCTCTCCTTTAATAGGGCCTCTTTCCTCC-3'
Protein context (NP_149015.2, residues 3817-3837): EKRERAYLQG[Val3827Glu]AEDRDYMSDS